The following is an entry in ClinVar:

NM_172364.5(CACNA2D4):c.2113A>G (p.Met705Val)

Gene: CACNA2D4 (calcium voltage-gated channel auxiliary subunit alpha2delta 4; minus strand). Cytogenetic location: 12p13.33.
Variant type: single nucleotide variant.
Coding change: c.2113A>G on transcript NM_172364.5 (MANE Select); coding-DNA position 2113, A replaced by G.
Protein change: p.Met705Val; replaces methionine 705 with valine.
Molecular consequence: missense variant.
Genome position (GRCh38, 1-based): chr12:1,856,051, T>C on the plus strand (A>G on the coding strand, the complement: CACNA2D4 is on the minus strand). VCF-style: chr12-1856051-T-C. GRCh37 (hg19) VCF-style: chr12-1965217-T-C.
Other names: short protein forms M705V.
Identifiers: ClinVar variation 2975867 (VCV002975867.3), dbSNP rs2498041121, ClinGen allele CA383349116.
Genomic context (GRCh38, chr12:1,856,051, plus strand): 5'-CAGTGGGCGGCCAGCACTCACACTCCAGGTCTGGGTCCTTCCTGGTGAGGAAGCGGATCA[T>C]GGCCTCTAGCTGGCTGAGCTTCCGGTGGTCTGGGTCAATATCTGTGATGCAGTAGATCCT-3'
Protein context (NP_758952.4, residues 695-715): DHRKLSQLEA[Met705Val]IRFLTRKDPD

ClinVar aggregate classification (germline): Uncertain significance (1 of 4 stars; one submission).

Allele frequency attached by ClinVar (database versions not stated): gnomAD exomes below 0.00001.
gnomAD v4.1: 6 of 1,614,024 alleles (0.00037%); highest among the groups gnomAD compares: East Asian, 0.0022%; no homozygotes.

Submission:

Labcorp Genetics (formerly Invitae), Labcorp
Classification: Uncertain significance. Last evaluated: 2023-11-09. Review status: criteria provided, single submitter. Criteria: Invitae Variant Classification Sherloc (09022015). Collection method: clinical testing. Allele origin: germline.
Comment: This sequence change replaces methionine, which is neutral and non-polar, with valine, which is neutral and non-polar, at codon 705 of the CACNA2D4 protein (p.Met705Val). This variant is not present in population databases (gnomAD no frequency). This variant has not been reported in the literature in individuals affected with CACNA2D4-related conditions. Algorithms developed to predict the effect of missense changes on protein structure and function output the following: SIFT: "Not Available"; PolyPhen-2: "Benign"; Align-GVGD: "Not Available". The valine amino acid residue is found in multiple mammalian species, which suggests that this missense change does not adversely affect protein function. In summary, the available evidence is currently insufficient to determine the role of this variant in disease. Therefore, it has been classified as a Variant of Uncertain Significance.